The following is an entry in ClinVar:

ClinVar aggregate classification (germline): Conflicting classifications of pathogenicity. Review status: criteria provided, conflicting classifications (1 of 4 stars). 5 submissions from 5 submitters: Uncertain significance (3); Likely benign (1). 1 of the submissions does not count toward it. Last evaluated 2025-03-29.

Conditions:
Hereditary breast ovarian cancer syndrome. Also called: Hereditary breast and ovarian cancer syndrome; Hereditary breast and ovarian cancer; Hereditary breast and ovarian cancer syndrome (HBOC); Breast and ovarian cancer; Hereditary breast and/or ovarian cancer syndrome; BRCA1- and BRCA2-Associated Hereditary Breast and Ovarian Cancer. Identifiers: Orphanet 145, MedGen C0677776, MeSH D061325, MONDO:0003582. Disease mechanism: loss of function.
Breast-ovarian cancer, familial, susceptibility to, 2 (BROVCA2). Also called: BRCA2 Hereditary Breast and Ovarian Cancer. Identifiers: Orphanet 145, MedGen C2675520, MONDO:0012933, OMIM 612555. Disease mechanism: loss of function.
Hereditary cancer-predisposing syndrome. Also called: Neoplastic Syndromes, Hereditary; Tumor predisposition; Hereditary Cancer Syndrome; Hereditary neoplastic syndrome. Identifiers: Orphanet 140162, MedGen C0027672, MeSH D009386, MONDO:0015356.

Submissions (5):

Ambry Genetics
Classification: Uncertain significance for Hereditary cancer-predisposing syndrome. Last evaluated: 2025-03-29. Review status: criteria provided, single submitter. Criteria: Ambry Variant Classification Scheme 2023. Collection method: clinical testing. Allele origin: germline.
Comment: The p.S1248R variant (also known as c.3742A>C), located in coding exon 10 of the BRCA2 gene, results from an A to C substitution at nucleotide position 3742. The serine at codon 1248 is replaced by arginine, an amino acid with dissimilar properties. This amino acid position is conserved. In addition, this alteration is predicted to be tolerated by in silico analysis. Since supporting evidence is limited at this time, the clinical significance of this alteration remains unclear.

Color Diagnostics, LLC DBA Color Health
Classification: Uncertain significance for Hereditary cancer-predisposing syndrome. Last evaluated: 2024-02-20. Review status: criteria provided, single submitter. Criteria: ACMG Guidelines, 2015. Collection method: clinical testing. Allele origin: germline.
Comment: This missense variant replaces serine with arginine at codon 1248 of the BRCA2 protein. Computational prediction suggests that this variant may not impact protein structure and function. To our knowledge, functional studies have not been reported for this variant. This variant has not been reported in individuals affected with BRCA2-related disorders in the literature. This variant has not been identified in the general population by the Genome Aggregation Database (gnomAD). The available evidence is insufficient to determine the role of this variant in disease conclusively. Therefore, this variant is classified as a Variant of Uncertain Significance.

University of Washington Department of Laboratory Medicine, University of Washington
Classification: Likely benign for Hereditary cancer-predisposing syndrome. Last evaluated: 2023-03-23. Review status: criteria provided, single submitter. Criteria: Dines et al. (Genet Med. 2020). Collection method: curation. Allele origin: germline.
Comment: Missense variant in a coldspot region where missense variants are very unlikely to be pathogenic (PMID:31911673).

BRCA2 exon 11 coldspot. Reclassification based on statistical prior probability.

Labcorp Genetics (formerly Invitae), Labcorp
Classification: Uncertain significance for Hereditary breast ovarian cancer syndrome. Last evaluated: 2022-08-18. Review status: criteria provided, single submitter. Criteria: Invitae Variant Classification Sherloc (09022015). Collection method: clinical testing. Allele origin: germline.
Comment: This sequence change replaces serine, which is neutral and polar, with arginine, which is basic and polar, at codon 1248 of the BRCA2 protein (p.Ser1248Arg). This variant is not present in population databases (gnomAD no frequency). This variant has not been reported in the literature in individuals affected with BRCA2-related conditions. ClinVar contains an entry for this variant (Variation ID: 51513). Advanced modeling of protein sequence and biophysical properties (such as structural, functional, and spatial information, amino acid conservation, physicochemical variation, residue mobility, and thermodynamic stability) performed at Invitae indicates that this missense variant is not expected to disrupt BRCA2 protein function. In summary, the available evidence is currently insufficient to determine the role of this variant in disease. Therefore, it has been classified as a Variant of Uncertain Significance.

Breast Cancer Information Core (BIC) (BRCA2)
Classification: Uncertain significance for Breast-ovarian cancer, familial 2. Last evaluated: 2003-12-23. Review status: no assertion criteria provided. Collection method: clinical testing. Allele origin: germline. Affected: yes. Observed: 1 variant allele. Not counted in ClinVar's aggregate classification.

NM_000059.4(BRCA2):c.3742A>C (p.Ser1248Arg)

Gene: BRCA2 (BRCA2 DNA repair associated; plus strand). Cytogenetic location: 13q13.1.
Variant type: single nucleotide variant.
Coding change: c.3742A>C on transcript NM_000059.4 (MANE Select); coding-DNA position 3742, A replaced by C.
Protein change: p.Ser1248Arg; replaces serine 1248 with arginine.
Molecular consequence: missense variant.
Genome position (GRCh38, 1-based): chr13:32,338,097, A>C. VCF-style: chr13-32338097-A-C. GRCh37 (hg19) VCF-style: chr13-32912234-A-C.
Other names: short protein forms S1248R.
Identifiers: ClinVar variation 51513 (VCV000051513.15), dbSNP rs80358614, ClinGen allele CA018688.